The following is an entry in ClinVar:

ClinVar aggregate classification (germline): Pathogenic (1 of 4 stars; one submission).

Conditions:
Mucopolysaccharidosis type 1. Also called: IDUA deficiency; MPS I; Mucopolysaccharidosis Type I. Identifiers: Orphanet 579, MedGen C0023786, MONDO:0001586.

Allele frequency attached by ClinVar (database versions not stated): gnomAD exomes below 0.00001.
gnomAD v4.1: 1 of 1,613,080 alleles (0.000062%); highest among the groups gnomAD compares: Non-Finnish European, 0.000085%; no homozygotes.

Submission:

Labcorp Genetics (formerly Invitae), Labcorp
Classification: Pathogenic for Mucopolysaccharidosis type 1. Last evaluated: 2022-04-28. Review status: criteria provided, single submitter. Criteria: Invitae Variant Classification Sherloc (09022015). Collection method: clinical testing. Allele origin: germline.
Comment: For these reasons, this variant has been classified as Pathogenic. Algorithms developed to predict the effect of sequence changes on RNA splicing suggest that this variant may create or strengthen a splice site. This variant has not been reported in the literature in individuals affected with IDUA-related conditions. This variant is not present in population databases (gnomAD no frequency). This sequence change creates a premature translational stop signal (p.Gln196*) in the IDUA gene. It is expected to result in an absent or disrupted protein product. Loss-of-function variants in IDUA are known to be pathogenic (PMID: 11735025, 21480867).

Literature cited by the submitters: PubMed 11735025; PubMed 21480867.

NM_000203.5(IDUA):c.586C>T (p.Gln196Ter)

Gene: IDUA (alpha-L-iduronidase; plus strand). Cytogenetic location: 4p16.3.
Variant type: single nucleotide variant.
Coding change: c.586C>T on transcript NM_000203.5 (MANE Select); coding-DNA position 586, C replaced by T.
Protein change: p.Gln196Ter; replaces glutamine 196 with a stop codon.
Molecular consequence: nonsense. On other transcripts: non-coding transcript variant (1).
Genome position (GRCh38, 1-based): chr4:1,001,560, C>T. VCF-style: chr4-1001560-C-T. GRCh37 (hg19) VCF-style: chr4-995348-C-T.
Other names: c.190C>T, p.Gln64Ter (NM_001363576.1); short protein forms Q64*, Q196*.
Identifiers: ClinVar variation 2039567 (VCV002039567.4), dbSNP rs2534083333, ClinGen allele CA355961832.
Genomic context (GRCh38, chr4:1,001,560, plus strand): 5'-AACTTCGAGACGTGGAATGAGCCAGACCACCACGACTTTGACAACGTCTCCATGACCATG[C>T]AAGGTGTGCACCGCTTCCTGGGGTCCTGCCCGGCTGAAAGGGGGCAGAGGAAGGCAGGAG-3'